The following is an entry in ClinVar:

ClinVar aggregate classification (germline): Uncertain significance. Review status: criteria provided, multiple submitters, no conflicts (2 of 4 stars). 2 submissions from 2 submitters: Uncertain significance (2). Last evaluated 2023-03-31.

Conditions:
Inflammatory bowel disease 25. Also called: Inflammatory bowel disease 25, early onset, autosomal recessive. Identifiers: Orphanet 238569, MedGen C2675508, MONDO:0012941, OMIM 612567.
Inborn genetic diseases. Identifiers: MedGen C0950123, MeSH D030342.

Allele frequency attached by ClinVar (database versions not stated): gnomAD exomes 0.00001 and 0.00014; gnomAD 0.00003; TOPMed 0.00003; ExAC 0.00012.
gnomAD v4.1: 26 of 1,614,054 alleles (0.0016%); highest among the groups gnomAD compares: East Asian, 0.049%; no homozygotes.

Submissions (2):

Ambry Genetics
Classification: Uncertain significance for Inborn genetic diseases. Last evaluated: 2023-03-31. Review status: criteria provided, single submitter. Criteria: Ambry Variant Classification Scheme 2023. Collection method: clinical testing. Allele origin: germline.

Labcorp Genetics (formerly Invitae), Labcorp
Classification: Uncertain significance for Inflammatory bowel disease 25. Last evaluated: 2019-10-27. Review status: criteria provided, single submitter. Criteria: Invitae Variant Classification Sherloc (09022015). Collection method: clinical testing. Allele origin: germline.
Comment: In summary, the available evidence is currently insufficient to determine the role of this variant in disease. Therefore, it has been classified as a Variant of Uncertain Significance. Algorithms developed to predict the effect of missense changes on protein structure and function output the following: SIFT: "Tolerated"; PolyPhen-2: "Benign"; Align-GVGD: "Class C0". The asparagine amino acid residue is found in multiple mammalian species, suggesting that this missense change does not adversely affect protein function. These predictions have not been confirmed by published functional studies and their clinical significance is uncertain. This variant has not been reported in the literature in individuals with IL10RB-related disease. This variant is present in population databases (rs762692366, ExAC 0.2%). This sequence change replaces serine with asparagine at codon 304 of the IL10RB protein (p.Ser304Asn). The serine residue is weakly conserved and there is a small physicochemical difference between serine and asparagine.

NM_000628.5(IL10RB):c.911G>A (p.Ser304Asn)

Genes: IL10RB (interleukin 10 receptor subunit beta; plus strand), IFNAR2-IL10RB (IFNAR2-IL10RB readthrough; plus strand). Cytogenetic location: 21q22.11.
Variant type: single nucleotide variant.
Coding change: c.911G>A on transcript NM_000628.5 (MANE Select); coding-DNA position 911, G replaced by A.
Protein change: p.Ser304Asn; replaces serine 304 with asparagine.
Molecular consequence: missense variant.
Genome position (GRCh38, 1-based): chr21:33,296,290, G>A. VCF-style: chr21-33296290-G-A. GRCh37 (hg19) VCF-style: chr21-34668595-G-A.
Other names: c.911G>A (NM_000628.3); short protein forms S304N.
Identifiers: ClinVar variation 577689 (VCV000577689.12), dbSNP rs762692366, ClinGen allele CA10006284.
Genomic context (GRCh38, chr21:33,296,290, plus strand): 5'-CATTGTCGGATGAGAATGATGTTTTTGACAAGCTAAGTGTCATTGCAGAAGACTCTGAGA[G>A]CGGCAAGCAGAATCCTGGTGACAGCTGCAGCCTCGGGACCCCGCCTGGGCAGGGGCCCCA-3'
Protein context (NP_000619.3, residues 294-314): KLSVIAEDSE[Ser304Asn]GKQNPGDSCS